The following is an entry in ClinVar:

ClinVar aggregate classification (germline): Conflicting classifications of pathogenicity. Review status: criteria provided, conflicting classifications (1 of 4 stars). 2 submissions from 2 submitters: Uncertain significance (1); Likely benign (1). Last evaluated 2024-01-17.

Conditions:
Inborn genetic diseases. Identifiers: MedGen C0950123, MeSH D030342.

Allele frequency attached by ClinVar (database versions not stated): ExAC 0.00003.
gnomAD v4.1: 19 of 1,608,118 alleles (0.0012%); highest among the groups gnomAD compares: South Asian, 0.021%; no homozygotes.

Submissions (2):

Labcorp Genetics (formerly Invitae), Labcorp
Classification: Likely benign. Last evaluated: 2024-01-17. Review status: criteria provided, single submitter. Criteria: Invitae Variant Classification Sherloc (09022015). Collection method: clinical testing. Allele origin: germline.

Ambry Genetics
Classification: Uncertain significance for Inborn genetic diseases. Last evaluated: 2021-06-06. Review status: criteria provided, single submitter. Criteria: Ambry Variant Classification Scheme 2023. Collection method: clinical testing. Allele origin: germline.
Comment: The c.5638-6T>A intronic alteration consists of a T to A substitution 6 nucleotides before coding exon 42 in the MPDZ gene. Based on insufficient or conflicting evidence, the clinical significance of this alteration remains unclear.

NM_001378778.1(MPDZ):c.5725-6T>A

Gene: MPDZ (multiple PDZ domain crumbs cell polarity complex component; minus strand). Cytogenetic location: 9p23.
Variant type: single nucleotide variant.
Coding change: c.5725-6T>A on transcript NM_001378778.1 (MANE Select); 6 bases into the intron before coding-DNA position 5725, T replaced by A.
Molecular consequence: intron variant.
Genome position (GRCh38, 1-based): chr9:13,110,746, A>T on the plus strand (T>A on the coding strand, the complement: MPDZ is on the minus strand). VCF-style: chr9-13110746-A-T. GRCh37 (hg19) VCF-style: chr9-13110745-A-T.
Other names: c.5539-6T>A (NM_001261407.2, NM_001375419.1); c.5626-6T>A (NM_001261406.2, NM_001375417.1, NM_001375416.1 and 1 more transcripts); c.5638-6T>A (NM_003829.5); c.5824-6T>A (NM_001375413.1); c.5515-6T>A (NM_001375422.1, NM_001375421.1, NM_001375420.1 and 2 more transcripts); c.5428-6T>A (NM_001375425.1, NM_001375426.1); c.5725-6T>A (NM_001330637.2); c.5317-6T>A (NM_001375427.1).
Identifiers: ClinVar variation 2231004 (VCV002231004.5), dbSNP rs757970149, ClinGen allele CA4986133.